The following is an entry in ClinVar:

NM_005502.4(ABCA1):c.3202C>G (p.Arg1068Gly)

Gene: ABCA1 (ATP binding cassette subfamily A member 1; minus strand). Cytogenetic location: 9q31.1.
Variant type: single nucleotide variant.
Coding change: c.3202C>G on transcript NM_005502.4 (MANE Select); coding-DNA position 3202, C replaced by G.
Protein change: p.Arg1068Gly; replaces arginine 1068 with glycine.
Molecular consequence: missense variant.
Genome position (GRCh38, 1-based): chr9:104,819,625, G>C on the plus strand (C>G on the coding strand, the complement: ABCA1 is on the minus strand). VCF-style: chr9-104819625-G-C. GRCh37 (hg19) VCF-style: chr9-107581906-G-C.
Other names: short protein forms R1068G.
Identifiers: ClinVar variation 1728837 (VCV001728837.2), dbSNP rs745593394, ClinGen allele CA374319252.

ClinVar aggregate classification (germline): Uncertain significance (1 of 4 stars; one submission).

Conditions:
Cardiovascular phenotype. Identifiers: MedGen CN230736.

Submission:

Ambry Genetics
Classification: Uncertain significance for Cardiovascular phenotype. Last evaluated: 2022-06-22. Review status: criteria provided, single submitter. Criteria: Ambry Variant Classification Scheme 2023. Collection method: clinical testing. Allele origin: germline.
Comment: The p.R1068G variant (also known as c.3202C>G), located in coding exon 21 of the ABCA1 gene, results from a C to G substitution at nucleotide position 3202. The arginine at codon 1068 is replaced by glycine, an amino acid with dissimilar properties. This amino acid position is conserved. In addition, this alteration is predicted to be deleterious by in silico analysis. Since supporting evidence is limited at this time, the clinical significance of this alteration remains unclear.